The following is an entry in ClinVar:

ClinVar aggregate classification (germline): Uncertain significance. Review status: criteria provided, multiple submitters, no conflicts (2 of 4 stars). 5 submissions from 4 submitters: Uncertain significance (5). Last evaluated 2025-01-22.

Conditions:
Inborn genetic diseases. Identifiers: MedGen C0950123, MeSH D030342.
Asphyxiating thoracic dystrophy 4 (SRTD4). Also called: SHORT-RIB THORACIC DYSPLASIA 4 WITH OR WITHOUT POLYDACTYLY; SHORT-RIB THORACIC DYSPLASIA 4. Identifiers: Orphanet 474, MedGen C3151185, MONDO:0013441, OMIM 613819.
TTC21B-related disorder. Also called: TTC21B-related disorders; TTC21B-related condition.
Nephronophthisis. Also called: Juvenile Nephronophthisis. Identifiers: Orphanet 655, MedGen C0687120, MONDO:0019005, HP:0000090.
Jeune thoracic dystrophy. Also called: Infantile thoracic dystrophy; Thoracic pelvic phalangeal dystrophy; Jeune's syndrome; Chondroectodermal dysplasia-like syndrome; Jeune syndrome; Short-rib thoracic dysplasia. Identifiers: Orphanet 474, MedGen C0265275, MONDO:0018770.
Nephronophthisis 12 (NPHP12). Identifiers: Orphanet 655, MedGen C3151186, MONDO:0013442, OMIM 613820.

Allele frequency attached by ClinVar (database versions not stated): gnomAD below 0.00001 and 0.00003; gnomAD exomes 0.00002; TOPMed 0.00002; ExAC 0.00003.
gnomAD v4.1: 19 of 1,608,462 alleles (0.0012%); highest among the groups gnomAD compares: South Asian, 0.02%; no homozygotes.

Submissions (5):

Ambry Genetics
Classification: Uncertain significance for Inborn genetic diseases. Last evaluated: 2025-01-22. Review status: criteria provided, single submitter. Criteria: Ambry Variant Classification Scheme 2023. Collection method: clinical testing. Allele origin: germline.

PreventionGenetics, part of Exact Sciences
Classification: Uncertain significance for TTC21B-related condition. Last evaluated: 2024-12-06. Review status: criteria provided, single submitter. Criteria: ACMG Guidelines, 2015. Collection method: clinical testing. Allele origin: germline.
Comment: The TTC21B c.1181C>T variant is predicted to result in the amino acid substitution p.Ser394Phe. To our knowledge, this variant has not been reported in the literature. This variant is reported in 0.020% of alleles in individuals of South Asian descent in gnomAD. At this time, the clinical significance of this variant is uncertain due to the absence of conclusive functional and genetic evidence.

Labcorp Genetics (formerly Invitae), Labcorp
Classification: Uncertain significance for Jeune thoracic dystrophy; Nephronophthisis. Last evaluated: 2024-04-17. Review status: criteria provided, single submitter. Criteria: Invitae Variant Classification Sherloc (09022015). Collection method: clinical testing. Allele origin: germline.
Comment: This sequence change replaces serine, which is neutral and polar, with phenylalanine, which is neutral and non-polar, at codon 394 of the TTC21B protein (p.Ser394Phe). This variant is present in population databases (rs748339995, gnomAD 0.02%). This variant has not been reported in the literature in individuals affected with TTC21B-related conditions. ClinVar contains an entry for this variant (Variation ID: 894651). Advanced modeling of protein sequence and biophysical properties (such as structural, functional, and spatial information, amino acid conservation, physicochemical variation, residue mobility, and thermodynamic stability) performed at Invitae indicates that this missense variant is not expected to disrupt TTC21B protein function with a negative predictive value of 80%. In summary, the available evidence is currently insufficient to determine the role of this variant in disease. Therefore, it has been classified as a Variant of Uncertain Significance.

Illumina Laboratory Services, Illumina
Classification: Uncertain significance for Asphyxiating thoracic dystrophy 4. Last evaluated: 2017-04-27. Review status: criteria provided, single submitter. Criteria: ICSL Variant Classification Criteria 13 December 2019. Collection method: clinical testing. Allele origin: germline.

Illumina Laboratory Services, Illumina
Classification: Uncertain significance for Nephronophthisis 12. Last evaluated: 2017-04-27. Review status: criteria provided, single submitter. Criteria: ICSL Variant Classification Criteria 13 December 2019. Collection method: clinical testing. Allele origin: germline.

NM_024753.5(TTC21B):c.1181C>T (p.Ser394Phe)

Gene: TTC21B (tetratricopeptide repeat domain 21B; minus strand). Cytogenetic location: 2q24.3.
Variant type: single nucleotide variant.
Coding change: c.1181C>T on transcript NM_024753.5 (MANE Select); coding-DNA position 1181, C replaced by T.
Protein change: p.Ser394Phe; replaces serine 394 with phenylalanine.
Molecular consequence: missense variant.
Genome position (GRCh38, 1-based): chr2:165,929,654, G>A on the plus strand (C>T on the coding strand, the complement: TTC21B is on the minus strand). VCF-style: chr2-165929654-G-A. GRCh37 (hg19) VCF-style: chr2-166786164-G-A.
Other names: c.1181C>T (NM_024753.3); short protein forms S394F.
Identifiers: ClinVar variation 894651 (VCV000894651.10), dbSNP rs748339995, ClinGen allele CA1942220.